The following is an entry in ClinVar:

NM_000135.4(FANCA):c.1003_1006+3delinsTGAGT

Gene: FANCA (FA complementation group A; minus strand). Cytogenetic location: 16q24.3.
Variant type: Indel.
Coding change: c.1003_1006+3delinsTGAGT on transcript NM_000135.4 (MANE Select); coding-DNA position 1003 through 3 bases into the intron after coding-DNA position 1006, AAAGGTA replaced by TGAGT.
Molecular consequence: splice donor variant.
Genome position (GRCh38, 1-based): chr16:89,795,903-89,795,909, TACCTTT replaced by ACTCA on the plus strand (AAAGGTA replaced by TGAGT on the coding strand, the reverse complement: FANCA is on the minus strand). VCF-style: chr16-89795903-TACCTTT-ACTCA. GRCh37 (hg19) VCF-style: chr16-89862311-TACCTTT-ACTCA.
Other names: c.1003_1006+3delinsTGAGT (NM_001286167.3).
Identifiers: ClinVar variation 4081677 (VCV004081677.1).

ClinVar aggregate classification (germline): Likely pathogenic (1 of 4 stars; one submission).

Conditions:
Fanconi anemia complementation group A (FANCA). Also called: FANCA-Related Fanconi Anemia; Fanconi anemia, group A. Identifiers: Orphanet 84, MedGen C3469521, MONDO:0009215, OMIM 227650.

Submission:

Myriad Genetics, Inc.
Classification: Likely pathogenic for Fanconi anemia complementation group A. Last evaluated: 2025-03-05. Review status: criteria provided, single submitter. Criteria: Myriad Autosomal Dominant, Autosomal Recessive and X-Linked Classification Criteria (2023). Collection method: clinical testing. Allele origin: unknown.
Comment: NM_000135.2(FANCA):c.1003_1006+3del7ins5 is a variant in a canonical splice site classified as likely pathogenic in the context of Fanconi anemia complementation group A. c.1003_1006+3del7ins5 has not been observed in cases with relevant disease. Relevant functional assessments of this variant are not available in the literature. c.1003_1006+3del7ins5 has not been observed in referenced population frequency databases. In summary, NM_000135.2(FANCA):c.1003_1006+3del7ins5 is a variant in a canonical splice site in a gene where loss of function is a known mechanism of disease and is predicted to disrupt protein function. Please note: this variant was assessed in the context of healthy population screening.